The following is an entry in ClinVar:

ClinVar aggregate classification (germline): Likely benign (0 of 4 stars; one submission).

Conditions:
MYH14-related disorder. Also called: MYH14-related condition.

Submission:

PreventionGenetics, part of Exact Sciences
Classification: Likely benign for MYH14-related condition. Last evaluated: 2019-08-26. Review status: no assertion criteria provided. Collection method: clinical testing. Allele origin: germline.
Comment: This variant is classified as likely benign based on ACMG/AMP sequence variant interpretation guidelines (Richards et al. 2015 PMID: 25741868, with internal and published modifications).

NM_001145809.2(MYH14):c.2817A>T (p.Arg939=)

Gene: MYH14 (myosin heavy chain 14; plus strand). Cytogenetic location: 19q13.33.
Variant type: single nucleotide variant.
Coding change: c.2817A>T on transcript NM_001145809.2 (MANE Select); coding-DNA position 2817, A replaced by T.
Protein change: p.Arg939=; no amino-acid change (arginine 939 retained).
Molecular consequence: synonymous variant.
Genome position (GRCh38, 1-based): chr19:50,266,999, A>T. VCF-style: chr19-50266999-A-T. GRCh37 (hg19) VCF-style: chr19-50770256-A-T.
Other names: c.2718A>T, p.Arg906= (NM_001077186.2); c.2694A>T, p.Arg898= (NM_024729.4).
Identifiers: ClinVar variation 3053480 (VCV003053480.2), dbSNP rs2035107908, ClinGen allele CA508175925.
Genomic context (GRCh38, chr19:50,266,999, plus strand): 5'-GCAGAAAGTGCAGGAGCTACAGCAGCAGAGCGCCCGCGAAGTTGGGGAGCTCCAGGGCCG[A>T]GTGGCACAGGTGAGGGGGCGGGGGCAGGGCGTGGGGGCGTGTCTTCGGGGTGGGGCTGTG-3'
Protein context (NP_001139281.1, residues 929-949): SAREVGELQG[Arg939=]VAQLEEERAR